The following is an entry in ClinVar:

ClinVar aggregate classification (germline): Uncertain significance. Review status: criteria provided, multiple submitters, no conflicts (2 of 4 stars). 3 submissions from 3 submitters: Uncertain significance (2). 1 of the submissions does not count toward it. Last evaluated 2024-04-08.

Conditions:
Ornithine aminotransferase deficiency (GACR). Also called: OAT DEFICIENCY; OKT DEFICIENCY; Ornithine ketoacid aminotransferase deficiency; Gyrate atrophy; Gyrate atrophy of choroid and retina; Girate atrophy of the retina. Identifiers: Orphanet 414, MedGen C0018425, MONDO:0009796, OMIM 258870.

Allele frequency attached by ClinVar (database versions not stated): gnomAD exomes below 0.00001; TOPMed 0.00001.
gnomAD v4.1: 2 of 1,614,114 alleles (0.00012%); highest among the groups gnomAD compares: African/African-American, 0.0027%; no homozygotes.

Submissions (3):

Women's Health and Genetics/Laboratory Corporation of America, LabCorp
Classification: Uncertain significance. Last evaluated: 2024-04-08. Review status: criteria provided, single submitter. Criteria: LabCorp Variant Classification Summary - May 2015. Collection method: clinical testing. Allele origin: germline.
Comment: Variant summary: OAT c.1180T>C (p.Cys394Arg) results in a non-conservative amino acid change in the encoded protein sequence. Four of five in-silico tools predict a damaging effect of the variant on protein function. A different variant at the same codon, c.1181G>A (p.Cys394Tyr) has been listed in association with a phenotype of Gyrate Atrophy in the HGMD and ClinVar databases, suporting the functional relevance of this codon to overall OAT function. The variant was absent in 250714 control chromosomes. c.1180T>C has been reported in the literature in at-least one individuals affected with Gyrate Atrophy (Ornithine Aminotransferase Deficiency) (example, Broday_1992 cited by Doimo_2012 and Montoli_2021). To our knowledge, no experimental evidence demonstrating an impact on protein function has been reported. The following publications have been ascertained in the context of this evaluation (PMID: 1737786, 23076989, 33068755). ClinVar contains an entry for this variant (Variation ID: 172). Based on the evidence outlined above, the variant was classified as VUS-possibly pathogenic.

Blueprint Genetics
Classification: Uncertain significance. Last evaluated: 2022-05-25. Review status: criteria provided, single submitter. Criteria: ACMG Guidelines, 2015. Collection method: clinical testing. Allele origin: germline.

OMIM
Classification: Pathogenic for GYRATE ATROPHY OF CHOROID AND RETINA. Last evaluated: 1992-06-01. Review status: no assertion criteria provided. Collection method: literature only. Allele origin: germline. Not counted in ClinVar's aggregate classification.

Literature cited by the submitters: PubMed 23076989 (cited by Women's Health and Genetics/Laboratory Corporation of America, LabCorp); PubMed 1737786 (cited by Women's Health and Genetics/Laboratory Corporation of America, LabCorp); PubMed 33068755 (cited by Women's Health and Genetics/Laboratory Corporation of America, LabCorp); PubMed 1612597 (cited by OMIM).

NM_000274.4(OAT):c.1180T>C (p.Cys394Arg)

Gene: OAT (ornithine aminotransferase; minus strand). Cytogenetic location: 10q26.13.
Variant type: single nucleotide variant.
Coding change: c.1180T>C on transcript NM_000274.4 (MANE Select); coding-DNA position 1180, T replaced by C.
Protein change: p.Cys394Arg; replaces cysteine 394 with arginine.
Molecular consequence: missense variant.
Genome position (GRCh38, 1-based): chr10:124,398,082, A>G on the plus strand (T>C on the coding strand, the complement: OAT is on the minus strand). VCF-style: chr10-124398082-A-G. GRCh37 (hg19) VCF-style: chr10-126086651-A-G.
Other names: c.766T>C, p.Cys256Arg (NM_001171814.2); c.1180T>C, p.Cys394Arg (NM_001322965.2, NM_001322966.2, NM_001322967.2 and 3 more transcripts); c.859T>C, p.Cys287Arg (NM_001322971.2); c.580T>C, p.Cys194Arg (NM_001322974.2); short protein forms C394R, C256R, C287R, C194R.
Identifiers: ClinVar variation 172 (VCV000000172.3), dbSNP rs121965054, ClinGen allele CA113987.